The following is an entry in ClinVar:

ClinVar aggregate classification (germline): Likely pathogenic. Review status: criteria provided, single submitter (1 of 4 stars). 4 submissions from 4 submitters: Likely pathogenic (1). 3 of the submissions do not count toward it. Last evaluated 2023-09-29.

Conditions:
Dilated cardiomyopathy 1G (CMD1G). Identifiers: Orphanet 154, MedGen C1858763, MONDO:0011400, OMIM 604145.
Autosomal recessive limb-girdle muscular dystrophy type 2J (LGMDR10). Also called: Limb-girdle muscular dystrophy, type 2J; MUSCULAR DYSTROPHY, LIMB-GIRDLE, AUTOSOMAL RECESSIVE 10. Identifiers: Orphanet 140922, MedGen C1837342, MONDO:0012127, OMIM 608807.

gnomAD v4.1: 1 of 1,604,710 alleles (0.000062%); highest among the groups gnomAD compares: Non-Finnish European, 0.000085%; no homozygotes.

Submissions (4):

Labcorp Genetics (formerly Invitae), Labcorp
Classification: Likely pathogenic for Dilated cardiomyopathy 1G; Autosomal recessive limb-girdle muscular dystrophy type 2J. Last evaluated: 2023-09-29. Review status: criteria provided, single submitter. Criteria: Invitae Variant Classification Sherloc (09022015). Collection method: clinical testing. Allele origin: germline.
Comment: ClinVar contains an entry for this variant (Variation ID: 1174768). In summary, the currently available evidence indicates that the variant is pathogenic, but additional data are needed to prove that conclusively. Therefore, this variant has been classified as Likely Pathogenic. This variant is located in the A band of TTN (PMID: 25589632). Truncating variants in this region are significantly overrepresented in patients affected with dilated cardiomyopathy (PMID: 25589632). Truncating variants in this region have also been reported in individuals affected with autosomal recessive centronuclear myopathy (PMID: 23975875). Algorithms developed to predict the effect of sequence changes on RNA splicing suggest that this variant may disrupt the consensus splice site. Disruption of this splice site has been observed in individual(s) with dilated cardiomyopathy (PMID: 27813223, 30847666). This variant is not present in population databases (gnomAD no frequency). This sequence change affects a donor splice site in intron 309 of the TTN gene. It is expected to disrupt RNA splicing and likely results in a truncated or disrupted TTN protein.

Clinical Genetics, Academic Medical Center
Classification: Likely pathogenic. Review status: no assertion criteria provided. Collection method: clinical testing. Allele origin: germline. Affected: yes. Study: VKGL Data-share Consensus. Not counted in ClinVar's aggregate classification.

Diagnostic Laboratory, Department of Genetics, University Medical Center Groningen
Classification: Likely pathogenic. Review status: no assertion criteria provided. Collection method: clinical testing. Allele origin: germline. Affected: yes. Study: VKGL Data-share Consensus. Not counted in ClinVar's aggregate classification.

Genome Diagnostics Laboratory, University Medical Center Utrecht
Classification: Likely pathogenic. Review status: no assertion criteria provided. Collection method: clinical testing. Allele origin: germline. Affected: yes. Study: VKGL Data-share Consensus. Not counted in ClinVar's aggregate classification.

Literature cited by the submitters: PubMed 25589632 (cited by Labcorp Genetics (formerly Invitae), Labcorp); PubMed 23975875 (cited by Labcorp Genetics (formerly Invitae), Labcorp); PubMed 27813223 (cited by Labcorp Genetics (formerly Invitae), Labcorp); PubMed 30847666 (cited by Labcorp Genetics (formerly Invitae), Labcorp).

NM_001267550.2(TTN):c.64672+2T>C

Genes: TTN-AS1 (TTN antisense RNA 1; plus strand), TTN (titin; minus strand). Cytogenetic location: 2q31.2.
Variant type: single nucleotide variant.
Coding change: c.64672+2T>C on transcript NM_001267550.2 (MANE Select); the canonical splice donor site of the intron after coding-DNA position 64672, T replaced by C.
Molecular consequence: splice donor variant.
Genome position (GRCh38, 1-based): chr2:178,585,070, A>G on the plus strand (T>C on the coding strand, the complement: TTN is on the minus strand). VCF-style: chr2-178585070-A-G. GRCh37 (hg19) VCF-style: chr2-179449797-A-G.
Other names: c.37477+2T>C (NM_003319.4); c.38053+2T>C (NM_133437.4); c.37852+2T>C (NM_133432.3); c.56968+2T>C (NM_133378.4); c.59749+2T>C (NM_001256850.1).
Identifiers: ClinVar variation 1174768 (VCV001174768.8), dbSNP rs2154180290, ClinGen allele CA349438511.